The following is an entry in ClinVar:

ClinVar aggregate classification (germline): Benign/Likely benign. Review status: criteria provided, multiple submitters, no conflicts (2 of 4 stars). 4 submissions from 4 submitters: Benign (1); Likely benign (2). 1 of the submissions does not count toward it. Last evaluated 2025-12-21.

Conditions:
HAND1-related disorder. Also called: HAND1-related condition.
Hypoplastic left heart syndrome. Also called: Hypoplastic left ventricle; Hypoplastic left heart. Identifiers: Orphanet 2248, MedGen C0152101, MONDO:0004933, HP:0004383.

Allele frequency attached by ClinVar (database versions not stated): 1000 Genomes Project 30x 0.00062; TOPMed 0.00089; ESP Exome Variant Server 0.00094; 1000 Genomes Project 0.00100; gnomAD exomes 0.00216; gnomAD 0.00233 and 0.00236; ExAC 0.00245.

Submissions (4):

Labcorp Genetics (formerly Invitae), Labcorp
Classification: Benign for Hypoplastic left heart syndrome. Last evaluated: 2025-12-21. Review status: criteria provided, single submitter. Criteria: Invitae Variant Classification Sherloc (09022015). Collection method: clinical testing. Allele origin: germline.

Blueprint Genetics
Classification: Likely benign. Last evaluated: 2024-11-19. Review status: criteria provided, single submitter. Criteria: ACMG Guidelines, 2015. Collection method: clinical testing. Allele origin: germline.

CeGaT Center for Human Genetics Tuebingen
Classification: Likely benign. Last evaluated: 2022-10-01. Review status: criteria provided, single submitter. Criteria: CeGaT Center For Human Genetics Tuebingen Variant Classification Criteria Version 2. Collection method: clinical testing. Allele origin: germline. Affected: yes. Observed: 2 variant alleles.
Comment: HAND1: BP4, BP7

PreventionGenetics, part of Exact Sciences
Classification: Benign for HAND1-related condition. Last evaluated: 2019-02-22. Review status: no assertion criteria provided. Collection method: clinical testing. Allele origin: germline. Not counted in ClinVar's aggregate classification.
Comment: This variant is classified as benign based on ACMG/AMP sequence variant interpretation guidelines (Richards et al. 2015 PMID: 25741868, with internal and published modifications).

NM_004821.3(HAND1):c.162G>A (p.Pro54=)

Gene: HAND1 (heart and neural crest derivatives expressed 1; minus strand). Cytogenetic location: 5q33.2.
Variant type: single nucleotide variant.
Coding change: c.162G>A on transcript NM_004821.3 (MANE Select); coding-DNA position 162, G replaced by A.
Protein change: p.Pro54=; no amino-acid change (proline 54 retained).
Molecular consequence: synonymous variant.
Genome position (GRCh38, 1-based): chr5:154,477,847, C>T on the plus strand (G>A on the coding strand, the complement: HAND1 is on the minus strand). VCF-style: chr5-154477847-C-T. GRCh37 (hg19) VCF-style: chr5-153857407-C-T.
Identifiers: ClinVar variation 695808 (VCV000695808.37), dbSNP rs138460675, ClinGen allele CA3526624.